The following is an entry in ClinVar:

ClinVar aggregate classification (germline): Uncertain significance (1 of 4 stars; one submission).

Conditions:
Baller-Gerold syndrome (BGS). Also called: CRANIOSYNOSTOSIS WITH RADIAL DEFECTS. Identifiers: Orphanet 1225, MedGen C0265308, MONDO:0009039, OMIM 218600.

Allele frequency attached by ClinVar (database versions not stated): gnomAD exomes below 0.00001.
gnomAD v4.1: 1 of 1,612,144 alleles (0.000062%); highest among the groups gnomAD compares: Non-Finnish European, 0.000085%; no homozygotes.

Submission:

Labcorp Genetics (formerly Invitae), Labcorp
Classification: Uncertain significance for Baller-Gerold syndrome. Last evaluated: 2023-04-13. Review status: criteria provided, single submitter. Criteria: Invitae Variant Classification Sherloc (09022015). Collection method: clinical testing. Allele origin: germline.
Comment: In summary, the available evidence is currently insufficient to determine the role of this variant in disease. Therefore, it has been classified as a Variant of Uncertain Significance. This sequence change replaces histidine, which is basic and polar, with arginine, which is basic and polar, at codon 933 of the RECQL4 protein (p.His933Arg). This variant is not present in population databases (gnomAD no frequency). This variant has not been reported in the literature in individuals affected with RECQL4-related conditions. ClinVar contains an entry for this variant (Variation ID: 459435). Advanced modeling of protein sequence and biophysical properties (such as structural, functional, and spatial information, amino acid conservation, physicochemical variation, residue mobility, and thermodynamic stability) performed at Invitae indicates that this missense variant is not expected to disrupt RECQL4 protein function.

NM_004260.4(RECQL4):c.2798A>G (p.His933Arg)

Gene: RECQL4 (RecQ like helicase 4; minus strand). Cytogenetic location: 8q24.3.
Variant type: single nucleotide variant.
Coding change: c.2798A>G on transcript NM_004260.4 (MANE Select); coding-DNA position 2798, A replaced by G.
Protein change: p.His933Arg; replaces histidine 933 with arginine.
Molecular consequence: missense variant.
Genome position (GRCh38, 1-based): chr8:144,512,729, T>C on the plus strand (A>G on the coding strand, the complement: RECQL4 is on the minus strand). VCF-style: chr8-144512729-T-C. GRCh37 (hg19) VCF-style: chr8-145738112-T-C.
Other names: short protein forms H933R.
Identifiers: ClinVar variation 459435 (VCV000459435.5), dbSNP rs1554897277, ClinGen allele CA372674405.